The following is an entry in ClinVar:

ClinVar aggregate classification (germline): Likely pathogenic. Review status: criteria provided, multiple submitters, no conflicts (2 of 4 stars). 2 submissions from 2 submitters: Likely pathogenic (2). Last evaluated 2026-03-25.

Conditions:
VWF-related disorder. Also called: VWF-related disorders; VWF-related condition.

Allele frequency attached by ClinVar (database versions not stated): gnomAD exomes below 0.00001; TOPMed 0.00002.
gnomAD v4.1: 1 of 1,614,190 alleles (0.000062%); highest among the groups gnomAD compares: Non-Finnish European, 0.000085%; no homozygotes.

Submissions (2):

PreventionGenetics, part of Exact Sciences
Classification: Likely pathogenic for VWF-related condition. Last evaluated: 2026-03-25. Review status: criteria provided, single submitter. Criteria: ACMG Guidelines, 2015. Collection method: clinical testing. Allele origin: germline.
Comment: The VWF c.8052C>A variant is predicted to result in premature protein termination (p.Tyr2684*). To our knowledge, this variant has not been reported in the literature or in a large population database, indicating this variant is rare. This variant has not been reported in a large population database (gnomAD), indicating this variant is rare. Nonsense variants in VWF are expected to be pathogenic. This variant is interpreted as likely pathogenic.

Quest Diagnostics Nichols Institute San Juan Capistrano
Classification: Likely pathogenic. Last evaluated: 2024-08-08. Review status: criteria provided, single submitter. Criteria: Quest Diagnostics criteria. Collection method: clinical testing. Allele origin: unknown.
Comment: The VWF c.8052C>A (p.Tyr2684*) variant causes the premature termination of VWF protein synthesis. This variant has not been reported in individuals with VWF-related conditions in the published literature. This variant has not been reported in large, multi-ethnic general populations (Genome Aggregation Database). Based on the available information, this variant is classified as likely pathogenic.

Literature cited by the submitters: PubMed 34411772 (cited by Quest Diagnostics Nichols Institute San Juan Capistrano).

NM_000552.5(VWF):c.8052C>A (p.Tyr2684Ter)

Gene: VWF (von Willebrand factor; minus strand). Cytogenetic location: 12p13.31.
Variant type: single nucleotide variant.
Coding change: c.8052C>A on transcript NM_000552.5 (MANE Select); coding-DNA position 8052, C replaced by A.
Protein change: p.Tyr2684Ter; replaces tyrosine 2684 with a stop codon.
Molecular consequence: nonsense.
Genome position (GRCh38, 1-based): chr12:5,952,454, G>T on the plus strand (C>A on the coding strand, the complement: VWF is on the minus strand). VCF-style: chr12-5952454-G-T. GRCh37 (hg19) VCF-style: chr12-6061620-G-T.
Other names: c.8052C>A (NM_000552.4); short protein forms Y2684*.
Identifiers: ClinVar variation 631686 (VCV000631686.6), dbSNP rs1565806829, ClinGen allele CA383487478.